The following is an entry in ClinVar:

ClinVar aggregate classification (germline): Uncertain significance. Review status: criteria provided, multiple submitters, no conflicts (2 of 4 stars). 2 submissions from 2 submitters: Uncertain significance (2). Last evaluated 2025-08-06.

Conditions:
Inborn genetic diseases. Identifiers: MedGen C0950123, MeSH D030342.
Brachyolmia-amelogenesis imperfecta syndrome. Also called: PLATYSPONDYLY WITH AMELOGENESIS IMPERFECTA; Tooth agenesis, selective, 6; Dental anomalies and short stature. Identifiers: Orphanet 2899, MedGen C1832594, MONDO:0011018, OMIM 601216. Disease mechanism: loss of function.

Allele frequency attached by ClinVar (database versions not stated): gnomAD exomes 0.00001; TOPMed 0.00002; gnomAD 0.00005; ExAC 0.00009; 1000 Genomes Project 30x 0.00016.

Submissions (2):

Labcorp Genetics (formerly Invitae), Labcorp
Classification: Uncertain significance for Brachyolmia-amelogenesis imperfecta syndrome. Last evaluated: 2025-08-06. Review status: criteria provided, single submitter. Criteria: Invitae Variant Classification Sherloc (09022015). Collection method: clinical testing. Allele origin: germline.
Comment: This sequence change replaces threonine, which is neutral and polar, with alanine, which is neutral and non-polar, at codon 166 of the LTBP3 protein (p.Thr166Ala). This variant is present in population databases (rs748093156, gnomAD 0.1%). This variant has not been reported in the literature in individuals affected with LTBP3-related conditions. ClinVar contains an entry for this variant (Variation ID: 1938740). An algorithm developed to predict the effect of missense changes on protein structure and function (PolyPhen-2) suggests that this variant is likely to be tolerated. In summary, the available evidence is currently insufficient to determine the role of this variant in disease. Therefore, it has been classified as a Variant of Uncertain Significance.

Ambry Genetics
Classification: Uncertain significance for Inborn genetic diseases. Last evaluated: 2024-01-31. Review status: criteria provided, single submitter. Criteria: Ambry Variant Classification Scheme 2023. Collection method: clinical testing. Allele origin: germline.

NM_001130144.3(LTBP3):c.496A>G (p.Thr166Ala)

Gene: LTBP3 (latent transforming growth factor beta binding protein 3; minus strand). Cytogenetic location: 11q13.1.
Variant type: single nucleotide variant.
Coding change: c.496A>G on transcript NM_001130144.3 (MANE Select); coding-DNA position 496, A replaced by G.
Protein change: p.Thr166Ala; replaces threonine 166 with alanine.
Molecular consequence: missense variant.
Genome position (GRCh38, 1-based): chr11:65,554,216, T>C on the plus strand (A>G on the coding strand, the complement: LTBP3 is on the minus strand). VCF-style: chr11-65554216-T-C. GRCh37 (hg19) VCF-style: chr11-65321687-T-C.
Other names: c.145A>G, p.Thr49Ala (NM_001164266.1); c.496A>G, p.Thr166Ala (NM_021070.4); short protein forms T49A, T166A.
Identifiers: ClinVar variation 1938740 (VCV001938740.6), dbSNP rs748093156, ClinGen allele CA6101221.